The following is an entry in ClinVar:

NM_004385.5(VCAN):c.4072A>G (p.Ser1358Gly)

Genes: VCAN (versican; plus strand), VCAN-AS1 (VCAN antisense RNA 1; minus strand). Cytogenetic location: 5q14.3.
Variant type: single nucleotide variant.
Coding change: c.4072A>G on transcript NM_004385.5 (MANE Select); coding-DNA position 4072, A replaced by G.
Protein change: p.Ser1358Gly; replaces serine 1358 with glycine.
Molecular consequence: missense variant. On other transcripts: intron variant (2).
Genome position (GRCh38, 1-based): chr5:83,537,075, A>G. VCF-style: chr5-83537075-A-G. GRCh37 (hg19) VCF-style: chr5-82832894-A-G.
Other names: c.1111A>G, p.Ser371Gly (NM_001164097.2); c.4004-8462A>G (NM_001164098.2); c.1043-8462A>G (NM_001126336.3); short protein forms S1358G, S371G.
Identifiers: ClinVar variation 1438647 (VCV001438647.10), dbSNP rs142339468, ClinGen allele CA3333120.

ClinVar aggregate classification (germline): Conflicting classifications of pathogenicity. Review status: criteria provided, conflicting classifications (1 of 4 stars). 2 submissions from 2 submitters: Uncertain significance (1); Likely benign (1). Last evaluated 2025-07-13.

Allele frequency attached by ClinVar (database versions not stated): gnomAD 0.00008 and 0.00009; TOPMed 0.00008; ExAC 0.00009; gnomAD exomes 0.00009 and 0.00012; 1000 Genomes Project 30x 0.00016; 1000 Genomes Project 0.00020; ESP Exome Variant Server 0.00031.
gnomAD v4.1: 193 of 1,613,718 alleles (0.012%); highest among the groups gnomAD compares: Non-Finnish European, 0.016%; 1 homozygote.

Submissions (2):

Labcorp Genetics (formerly Invitae), Labcorp
Classification: Uncertain significance. Last evaluated: 2025-07-13. Review status: criteria provided, single submitter. Criteria: Invitae Variant Classification Sherloc (09022015). Collection method: clinical testing. Allele origin: germline.
Comment: This sequence change replaces serine, which is neutral and polar, with glycine, which is neutral and non-polar, at codon 1358 of the VCAN protein (p.Ser1358Gly). This variant is present in population databases (rs142339468, gnomAD 0.02%). This variant has not been reported in the literature in individuals affected with VCAN-related conditions. ClinVar contains an entry for this variant (Variation ID: 1438647). An algorithm developed to predict the effect of missense changes on protein structure and function (PolyPhen-2) suggests that this variant is likely to be disruptive. In summary, the available evidence is currently insufficient to determine the role of this variant in disease. Therefore, it has been classified as a Variant of Uncertain Significance.

Blueprint Genetics
Classification: Likely benign. Last evaluated: 2024-11-19. Review status: criteria provided, single submitter. Criteria: ACMG Guidelines, 2015. Collection method: clinical testing. Allele origin: germline.